The following is an entry in ClinVar:

NM_001111.5(ADAR):c.1877T>G (p.Leu626Trp)

Gene: ADAR (adenosine deaminase RNA specific; minus strand). Cytogenetic location: 1q21.3.
Variant type: single nucleotide variant.
Coding change: c.1877T>G on transcript NM_001111.5 (MANE Select); coding-DNA position 1877, T replaced by G.
Protein change: p.Leu626Trp; replaces leucine 626 with tryptophan.
Molecular consequence: missense variant.
Genome position (GRCh38, 1-based): chr1:154,597,885, A>C on the plus strand (T>G on the coding strand, the complement: ADAR is on the minus strand). VCF-style: chr1-154597885-A-C. GRCh37 (hg19) VCF-style: chr1-154570361-A-C.
Other names: p.Leu626Trp; c.992T>G, p.Leu331Trp (NM_001025107.3, NM_001193495.2, NM_001365046.1 and 3 more transcripts); c.1904T>G, p.Leu635Trp (NM_001365045.1); c.1877T>G, p.Leu626Trp (NM_015840.4, NM_015841.4); short protein forms L331W, L626W, L635W.
Identifiers: ClinVar variation 3379902 (VCV003379902.1).

ClinVar aggregate classification (germline): Uncertain significance (1 of 4 stars; one submission).

Submission:

Mayo Clinic Laboratories, Mayo Clinic
Classification: Uncertain significance. Last evaluated: 2023-08-29. Review status: criteria provided, single submitter. Criteria: ACMG Guidelines, 2015. Collection method: clinical testing. Allele origin: germline. Observed: 1 variant allele.
Comment: PM2